The following is an entry in ClinVar:

NM_004446.3(EPRS1):c.142T>A (p.Phe48Ile)

Gene: EPRS1 (glutamyl-prolyl-tRNA synthetase 1; minus strand). Cytogenetic location: 1q41.
Variant type: single nucleotide variant.
Coding change: c.142T>A on transcript NM_004446.3 (MANE Select); coding-DNA position 142, T replaced by A.
Protein change: p.Phe48Ile; replaces phenylalanine 48 with isoleucine.
Molecular consequence: missense variant.
Genome position (GRCh38, 1-based): chr1:220,035,003, A>T on the plus strand (T>A on the coding strand, the complement: EPRS1 is on the minus strand). VCF-style: chr1-220035003-A-T. GRCh37 (hg19) VCF-style: chr1-220208345-A-T.
Other names: short protein forms F48I.
Identifiers: ClinVar variation 1681016 (VCV001681016.6), dbSNP rs1178180457, ClinGen allele CA344640572.

ClinVar aggregate classification (germline): Uncertain significance (1 of 4 stars; one submission).

Submission:

Labcorp Genetics (formerly Invitae), Labcorp
Classification: Uncertain significance. Last evaluated: 2021-12-02. Review status: criteria provided, single submitter. Criteria: Invitae Variant Classification Sherloc (09022015). Collection method: clinical testing. Allele origin: germline.
Comment: In summary, the available evidence is currently insufficient to determine the role of this variant in disease. Therefore, it has been classified as a Variant of Uncertain Significance. This sequence change replaces phenylalanine, which is neutral and non-polar, with isoleucine, which is neutral and non-polar, at codon 48 of the EPRS protein (p.Phe48Ile). This variant is not present in population databases (gnomAD no frequency). This variant has not been reported in the literature in individuals affected with EPRS-related conditions. Algorithms developed to predict the effect of missense changes on protein structure and function (SIFT, PolyPhen-2, Align-GVGD) all suggest that this variant is likely to be tolerated.